The following is an entry in ClinVar:

NC_000001.10:g.(?_33251953)_(33252686_?)del

Gene: YARS1 (tyrosyl-tRNA synthetase 1; minus strand). Cytogenetic location: 1p35.1.
Variant type: Deletion.
Identifiers: ClinVar variation 1681333 (VCV001681333.6).

ClinVar aggregate classification (germline): Uncertain significance (1 of 4 stars; one submission).

Conditions:
Charcot-Marie-Tooth disease dominant intermediate C (CMTDIC). Also called: CHARCOT-MARIE-TOOTH NEUROPATHY, DOMINANT INTERMEDIATE C. Identifiers: Orphanet 100045, MedGen C1842237, MONDO:0012012, OMIM 608323.

Submission:

Labcorp Genetics (formerly Invitae), Labcorp
Classification: Uncertain significance for Charcot-Marie-Tooth disease dominant intermediate C. Last evaluated: 2021-01-03. Review status: criteria provided, single submitter. Criteria: Invitae Variant Classification Sherloc (09022015). Collection method: clinical testing. Allele origin: germline.
Comment: In summary, the available evidence is currently insufficient to determine the role of this variant in disease. Therefore, it has been classified as a Variant of Uncertain Significance. Experimental studies and prediction algorithms are not available or were not evaluated, and the functional significance of this variant is currently unknown. This variant has been observed in individual(s) with clinical features of Charcot-Marie-Tooth disease (Invitae). This variant is a gross deletion of the genomic region encompassing exon(s) 7-8 of the YARS gene. This variant would be expected to be in-frame, preserving the integrity of the reading frame.